The following is an entry in ClinVar:

ClinVar aggregate classification (germline): Uncertain significance (1 of 4 stars; one submission).

Submission:

Labcorp Genetics (formerly Invitae), Labcorp
Classification: Uncertain significance. Last evaluated: 2023-06-29. Review status: criteria provided, single submitter. Criteria: Invitae Variant Classification Sherloc (09022015). Collection method: clinical testing. Allele origin: germline.
Comment: In summary, the available evidence is currently insufficient to determine the role of this variant in disease. Therefore, it has been classified as a Variant of Uncertain Significance. Advanced modeling of protein sequence and biophysical properties (such as structural, functional, and spatial information, amino acid conservation, physicochemical variation, residue mobility, and thermodynamic stability) performed at Invitae indicates that this missense variant is expected to disrupt LEMD3 protein function. This variant has not been reported in the literature in individuals affected with LEMD3-related conditions. This variant is not present in population databases (gnomAD no frequency). This sequence change replaces proline, which is neutral and non-polar, with arginine, which is basic and polar, at codon 695 of the LEMD3 protein (p.Pro695Arg).

NM_014319.5(LEMD3):c.2084C>G (p.Pro695Arg)

Gene: LEMD3 (LEM domain containing 3; plus strand). Cytogenetic location: 12q14.3.
Variant type: single nucleotide variant.
Coding change: c.2084C>G on transcript NM_014319.5 (MANE Select); coding-DNA position 2084, C replaced by G.
Protein change: p.Pro695Arg; replaces proline 695 with arginine.
Molecular consequence: missense variant.
Genome position (GRCh38, 1-based): chr12:65,240,196, C>G. VCF-style: chr12-65240196-C-G. GRCh37 (hg19) VCF-style: chr12-65633976-C-G.
Other names: c.2081C>G, p.Pro694Arg (NM_001167614.2); short protein forms P695R, P694R.
Identifiers: ClinVar variation 2862297 (VCV002862297.3), dbSNP rs2498907813, ClinGen allele CA385672382.